The following is an entry in ClinVar:

NM_014845.6(FIG4):c.1424G>A (p.Gly475Asp)

Gene: FIG4 (FIG4 phosphoinositide 5-phosphatase; plus strand). Cytogenetic location: 6q21.
Variant type: single nucleotide variant.
Coding change: c.1424G>A on transcript NM_014845.6 (MANE Select); coding-DNA position 1424, G replaced by A.
Protein change: p.Gly475Asp; replaces glycine 475 with aspartic acid.
Molecular consequence: missense variant.
Genome position (GRCh38, 1-based): chr6:109,763,972, G>A. VCF-style: chr6-109763972-G-A. GRCh37 (hg19) VCF-style: chr6-110085175-G-A.
Other names: c.1424G>A (NM_014845.5); short protein forms G475D.
Identifiers: ClinVar variation 1375263 (VCV001375263.6), dbSNP rs1777192183, ClinGen allele CA365226830.

ClinVar aggregate classification (germline): Uncertain significance. Review status: criteria provided, multiple submitters, no conflicts (2 of 4 stars). 2 submissions from 2 submitters: Uncertain significance (2). Last evaluated 2024-12-09.

Conditions:
Charcot-Marie-Tooth disease type 4. Also called: Charcot-Marie-Tooth disease, type IV; Charcot-Marie-Tooth, Type 4. Identifiers: Orphanet 64749, MedGen C4082197, MONDO:0018995.
FIG4-related disorder. Also called: FIG4-related condition; FIG4-related disorders.

gnomAD v4.1: 3 of 1,606,008 alleles (0.00019%); highest among the groups gnomAD compares: Non-Finnish European, 0.00017%; no homozygotes.

Submissions (2):

PreventionGenetics, part of Exact Sciences
Classification: Uncertain significance for FIG4-related condition. Last evaluated: 2024-12-09. Review status: criteria provided, single submitter. Criteria: ACMG Guidelines, 2015. Collection method: clinical testing. Allele origin: germline.
Comment: The FIG4 c.1424G>A variant is predicted to result in the amino acid substitution p.Gly475Asp. This variant was reported in an individual with amyotrophic lateral sclerosis (Table S5, Bartoletti-Stella et al 2021. PubMed ID: 33770234) This variant has not been reported in a large population database (gnomAD), indicating this variant is rare. At this time, the clinical significance of this variant is uncertain due to the absence of conclusive functional and genetic evidence.

Labcorp Genetics (formerly Invitae), Labcorp
Classification: Uncertain significance for Charcot-Marie-Tooth disease type 4. Last evaluated: 2021-08-15. Review status: criteria provided, single submitter. Criteria: Invitae Variant Classification Sherloc (09022015). Collection method: clinical testing. Allele origin: germline.
Comment: In summary, the available evidence is currently insufficient to determine the role of this variant in disease. Therefore, it has been classified as a Variant of Uncertain Significance. Algorithms developed to predict the effect of missense changes on protein structure and function are either unavailable or do not agree on the potential impact of this missense change (SIFT: "Deleterious"; PolyPhen-2: "Possibly Damaging"; Align-GVGD: "Class C0"). This variant has not been reported in the literature in individuals affected with FIG4-related conditions. This variant is not present in population databases (ExAC no frequency). This sequence change replaces glycine with aspartic acid at codon 475 of the FIG4 protein (p.Gly475Asp). The glycine residue is moderately conserved and there is a moderate physicochemical difference between glycine and aspartic acid.